The following is an entry in ClinVar:

NM_001348323.3(TRIP12):c.650C>G (p.Pro217Arg)

Gene: TRIP12 (thyroid hormone receptor interactor 12; minus strand). Cytogenetic location: 2q36.3.
Variant type: single nucleotide variant.
Coding change: c.650C>G on transcript NM_001348323.3 (MANE Select); coding-DNA position 650, C replaced by G.
Protein change: p.Pro217Arg; replaces proline 217 with arginine.
Molecular consequence: missense variant. On other transcripts: intron variant (1).
Genome position (GRCh38, 1-based): chr2:229,859,149, G>C on the plus strand (C>G on the coding strand, the complement: TRIP12 is on the minus strand). VCF-style: chr2-229859149-G-C. GRCh37 (hg19) VCF-style: chr2-230723865-G-C.
Other names: c.650C>G, p.Pro217Arg (NM_001284214.2, NM_001348315.2, NM_001348319.1 and 15 more transcripts); c.524C>G, p.Pro175Arg (NM_001284215.2, NM_001348316.2, NM_001348317.1 and 3 more transcripts); c.98+20833C>G (NM_001284216.2); short protein forms P175R, P217R.
Identifiers: ClinVar variation 2504401 (VCV002504401.1), dbSNP rs2475945384, ClinGen allele CA350896664.

ClinVar aggregate classification (germline): Uncertain significance (1 of 4 stars; one submission).

Submission:

GeneDx
Classification: Uncertain significance. Last evaluated: 2022-12-05. Review status: criteria provided, single submitter. Criteria: GeneDx Variant Classification Process June 2021. Collection method: clinical testing. Allele origin: germline. Affected: yes.
Comment: Not observed at significant frequency in large population cohorts (gnomAD); In silico analysis supports that this missense variant has a deleterious effect on protein structure/function; Has not been previously published as pathogenic or benign to our knowledge